The following is an entry in ClinVar:

NM_000059.4(BRCA2):c.6329A>C (p.Asp2110Ala)

Gene: BRCA2 (BRCA2 DNA repair associated; plus strand). Cytogenetic location: 13q13.1.
Variant type: single nucleotide variant.
Coding change: c.6329A>C on transcript NM_000059.4 (MANE Select); coding-DNA position 6329, A replaced by C.
Protein change: p.Asp2110Ala; replaces aspartic acid 2110 with alanine.
Molecular consequence: missense variant.
Genome position (GRCh38, 1-based): chr13:32,340,684, A>C. VCF-style: chr13-32340684-A-C. GRCh37 (hg19) VCF-style: chr13-32914821-A-C.
Other names: short protein forms D2110A.
Identifiers: ClinVar variation 52067 (VCV000052067.18), dbSNP rs80358873, ClinGen allele CA023917.

ClinVar aggregate classification (germline): Conflicting classifications of pathogenicity. Review status: criteria provided, conflicting classifications (1 of 4 stars). 10 submissions from 10 submitters: Uncertain significance (8); Likely benign (1). 1 of the submissions does not count toward it. Last evaluated 2025-07-10.

Conditions:
Hereditary cancer-predisposing syndrome. Also called: Neoplastic Syndromes, Hereditary; Tumor predisposition; Hereditary neoplastic syndrome; Hereditary Cancer Syndrome. Identifiers: Orphanet 140162, MedGen C0027672, MeSH D009386, MONDO:0015356.
Hereditary breast ovarian cancer syndrome. Also called: Hereditary breast and ovarian cancer syndrome; Hereditary breast and ovarian cancer; Hereditary breast and ovarian cancer syndrome (HBOC); Breast and ovarian cancer; Hereditary breast and/or ovarian cancer syndrome; BRCA1- and BRCA2-Associated Hereditary Breast and Ovarian Cancer. Identifiers: Orphanet 145, MedGen C0677776, MeSH D061325, MONDO:0003582. Disease mechanism: loss of function.
BRCA2-related cancer predisposition. Identifiers: MedGen CN377758, MONDO:0700269.
Breast-ovarian cancer, familial, susceptibility to, 2 (BROVCA2). Also called: BRCA2 Hereditary Breast and Ovarian Cancer. Identifiers: Orphanet 145, MedGen C2675520, MONDO:0012933, OMIM 612555. Disease mechanism: loss of function.

gnomAD v4.1: 16 of 1,609,036 alleles (0.00099%); highest among the groups gnomAD compares: Non-Finnish European, 0.0013%; no homozygotes.

Submissions (10):

Color Diagnostics, LLC DBA Color Health
Classification: Uncertain significance for Hereditary cancer-predisposing syndrome. Last evaluated: 2025-07-10. Review status: criteria provided, single submitter. Criteria: ACMG Guidelines, 2015. Collection method: clinical testing. Allele origin: germline.
Comment: This missense variant replaces aspartic acid with alanine at codon 2110 of the BRCA2 protein. Computational prediction suggests that this variant may not impact protein structure and function. To our knowledge, functional studies have not been reported for this variant. This variant has been reported in individuals affected with ovarian cancer and in a breast cancer case-control meta-analysis in 1/60466 cases and 0/53461 unaffected individuals (PMID: 16284991, 33471991Leiden Open Variation Database DB-ID BRCA2_008444). This variant has not been identified in the general population by the Genome Aggregation Database (gnomAD). The available evidence is insufficient to determine the role of this variant in disease conclusively. Therefore, this variant is classified as a Variant of Uncertain Significance.

All of Us Research Program, National Institutes of Health
Classification: Uncertain significance for Breast-ovarian cancer, familial, susceptibility to, 2. Last evaluated: 2023-11-20. Review status: criteria provided, single submitter. Criteria: ACMG Guidelines, 2015. Collection method: clinical testing. Allele origin: germline. Inheritance: Autosomal dominant inheritance. Observed: 1 variant allele, 1 heterozygote.
Comment: This missense variant replaces aspartic acid with alanine at codon 2110 of the BRCA2 protein. Computational prediction suggests that this variant may not impact protein structure and function (internally defined REVEL score threshold <= 0.5, PMID: 27666373). To our knowledge, functional studies have not been reported for this variant. This variant has been reported in individuals affected with breast or ovarian cancer (PMID: 16284991, 33471991; Leiden Open Variation Database DB-ID BRCA2_008444). This variant has not been identified in the general population by the Genome Aggregation Database (gnomAD). The available evidence is insufficient to determine the role of this variant in disease conclusively. Therefore, this variant is classified as a Variant of Uncertain Significance.

This study involves interpretation of variants in research participants for the purpose of population health screening. Participant phenotype was not available at the time of variant classification. Additional details can be found in publication PMID: 35346344, PMCID: PMC8962531

Ambry Genetics
Classification: Uncertain significance for Hereditary cancer-predisposing syndrome. Last evaluated: 2023-10-12. Review status: criteria provided, single submitter. Criteria: Ambry Variant Classification Scheme 2023. Collection method: clinical testing. Allele origin: germline.
Comment: The p.D2110A variant (also known as c.6329A>C), located in coding exon 10 of the BRCA2 gene, results from an A to C substitution at nucleotide position 6329. The aspartic acid at codon 2110 is replaced by alanine, an amino acid with dissimilar properties. This alteration was identified in an individual diagnosed with ovarian cancer (Pal T et al. Cancer, 2005 Dec;104:2807-16). This amino acid position is not well conserved in available vertebrate species. In addition, this alteration is predicted to be tolerated by in silico analysis. Since supporting evidence is limited at this time, the clinical significance of this alteration remains unclear.

Labcorp Genetics (formerly Invitae), Labcorp
Classification: Uncertain significance for Hereditary breast ovarian cancer syndrome. Last evaluated: 2023-08-24. Review status: criteria provided, single submitter. Criteria: Invitae Variant Classification Sherloc (09022015). Collection method: clinical testing. Allele origin: germline.
Comment: ClinVar contains an entry for this variant (Variation ID: 52067). Advanced modeling of protein sequence and biophysical properties (such as structural, functional, and spatial information, amino acid conservation, physicochemical variation, residue mobility, and thermodynamic stability) performed at Invitae indicates that this missense variant is not expected to disrupt BRCA2 protein function. In summary, the available evidence is currently insufficient to determine the role of this variant in disease. Therefore, it has been classified as a Variant of Uncertain Significance. This missense change has been observed in individual(s) with ovarian cancer (PMID: 16284991). This variant is present in population databases (rs80358873, gnomAD 0.0009%). This sequence change replaces aspartic acid, which is acidic and polar, with alanine, which is neutral and non-polar, at codon 2110 of the BRCA2 protein (p.Asp2110Ala).

University of Washington Department of Laboratory Medicine, University of Washington
Classification: Likely benign for Hereditary cancer-predisposing syndrome. Last evaluated: 2023-03-23. Review status: criteria provided, single submitter. Criteria: Dines et al. (Genet Med. 2020). Collection method: curation. Allele origin: germline.
Comment: Missense variant in a coldspot region where missense variants are very unlikely to be pathogenic (PMID:31911673).

BRCA2 exon 11 coldspot. Reclassification based on statistical prior probability.

Department of Pathology and Laboratory Medicine, Sinai Health System
Classification: Uncertain significance for BRCA2-related cancer predisposition. Last evaluated: 2021-07-29. Review status: criteria provided, single submitter. Criteria: ACMG Guidelines, 2015. Collection method: clinical testing. Allele origin: germline. Affected: yes.

Quest Diagnostics Nichols Institute San Juan Capistrano
Classification: Uncertain significance. Last evaluated: 2021-01-06. Review status: criteria provided, single submitter. Criteria: Quest Diagnostics criteria. Collection method: clinical testing. Allele origin: unknown.

GeneDx
Classification: Uncertain significance. Last evaluated: 2019-10-31. Review status: criteria provided, single submitter. Criteria: GeneDx Variant Classification Process June 2021. Collection method: clinical testing. Allele origin: germline. Affected: yes.
Comment: Not observed in large population cohorts (Lek 2016); In silico analysis, which includes protein predictors and evolutionary conservation, supports that this variant does not alter protein structure/function; Observed in individuals with ovarian cancer (Pal 2005); This variant is associated with the following publications: (PMID: 16284991)

Women's Health and Genetics/Laboratory Corporation of America, LabCorp
Classification: Uncertain significance. Last evaluated: 2016-03-10. Review status: criteria provided, single submitter. Criteria: LabCorp Variant Classification Summary - May 2015. Collection method: clinical testing. Allele origin: germline.
Comment: Variant summary: The c.6329A>C variant affects a non-conserved nucleotide, resulting in amino acid change from Asp to Ala. 3/5 in-silico tools predict this variant to be damaging. This variant is not found in 119830 control chromosomes, however, it has been reported in one patient with Ovarian Cancer without co-segregation evidence. In addition, one reputable database classified this variant as VUS. Because of the absence of stronger clinical information and the lack of functional studies, the variant was classified as a variant of uncertain significance (VUS) until additional information becomes available.

Breast Cancer Information Core (BIC) (BRCA2)
Classification: Uncertain significance for Breast-ovarian cancer, familial 2. Last evaluated: 2003-12-23. Review status: no assertion criteria provided. Collection method: clinical testing. Allele origin: germline. Affected: yes. Observed: 2 variant alleles. Not counted in ClinVar's aggregate classification.

Literature cited by the submitters: PubMed 16284991 (cited by 7 submitters); PubMed 33471991 (cited by Color Diagnostics, LLC DBA Color Health and All of Us Research Program, National Institutes of Health).